The following is an entry in ClinVar:

NM_016169.4(SUFU):c.742G>A (p.Asp248Asn)

Gene: SUFU (SUFU negative regulator of hedgehog signaling; plus strand). Cytogenetic location: 10q24.32.
Variant type: single nucleotide variant.
Coding change: c.742G>A on transcript NM_016169.4 (MANE Select); coding-DNA position 742, G replaced by A.
Protein change: p.Asp248Asn; replaces aspartic acid 248 with asparagine.
Molecular consequence: missense variant.
Genome position (GRCh38, 1-based): chr10:102,594,051, G>A. VCF-style: chr10-102594051-G-A. GRCh37 (hg19) VCF-style: chr10-104353808-G-A.
Other names: c.742G>A, p.Asp248Asn (NM_001178133.2); short protein forms D248N.
Identifiers: ClinVar variation 566135 (VCV000566135.10), dbSNP rs1283509771, ClinGen allele CA377909904.

ClinVar aggregate classification (germline): Uncertain significance. Review status: criteria provided, multiple submitters, no conflicts (2 of 4 stars). 2 submissions from 2 submitters: Uncertain significance (2). Last evaluated 2024-08-05.

Conditions:
Medulloblastoma (MDB). Also called: Medulloblastoma, somatic; MEDULLOBLASTOMA PREDISPOSITION SYNDROME. Identifiers: Orphanet 616, MedGen C0025149, MeSH D008527, MONDO:0007959, OMIM 155255, HP:0002885.
Gorlin syndrome. Also called: Nevoid Basal Cell Carcinoma Syndrome; Basal cell nevus syndrome. Identifiers: Orphanet 377, MedGen C0004779, MONDO:0007187.
Hereditary cancer-predisposing syndrome. Also called: Neoplastic Syndromes, Hereditary; Tumor predisposition; Hereditary Cancer Syndrome; Hereditary neoplastic syndrome. Identifiers: Orphanet 140162, MedGen C0027672, MeSH D009386, MONDO:0015356.

Allele frequency attached by ClinVar (database versions not stated): TOPMed below 0.00001; gnomAD 0.00001; gnomAD exomes 0.00001.
gnomAD v4.1: 5 of 1,613,864 alleles (0.00031%); highest among the groups gnomAD compares: Admixed American, 0.0033%; no homozygotes.

Submissions (2):

Labcorp Genetics (formerly Invitae), Labcorp
Classification: Uncertain significance for Gorlin syndrome; Medulloblastoma. Last evaluated: 2024-08-05. Review status: criteria provided, single submitter. Criteria: Invitae Variant Classification Sherloc (09022015). Collection method: clinical testing. Allele origin: germline.
Comment: This sequence change replaces aspartic acid, which is acidic and polar, with asparagine, which is neutral and polar, at codon 248 of the SUFU protein (p.Asp248Asn). This variant is present in population databases (no rsID available, gnomAD 0.003%). This variant has not been reported in the literature in individuals affected with SUFU-related conditions. ClinVar contains an entry for this variant (Variation ID: 566135). Advanced modeling of protein sequence and biophysical properties (such as structural, functional, and spatial information, amino acid conservation, physicochemical variation, residue mobility, and thermodynamic stability) performed at Invitae indicates that this missense variant is not expected to disrupt SUFU protein function with a negative predictive value of 80%. In summary, the available evidence is currently insufficient to determine the role of this variant in disease. Therefore, it has been classified as a Variant of Uncertain Significance.

Ambry Genetics
Classification: Uncertain significance for Hereditary cancer-predisposing syndrome. Last evaluated: 2024-02-21. Review status: criteria provided, single submitter. Criteria: Ambry Variant Classification Scheme 2023. Collection method: clinical testing. Allele origin: germline.
Comment: The p.D248N variant (also known as c.742G>A), located in coding exon 6 of the SUFU gene, results from a G to A substitution at nucleotide position 742. The aspartic acid at codon 248 is replaced by asparagine, an amino acid with highly similar properties. This amino acid position is highly conserved in available vertebrate species. In addition, this alteration is predicted to be tolerated by in silico analysis. Based on the available evidence, the clinical significance of this alteration remains unclear.